The following is an entry in ClinVar:

ClinVar aggregate classification (germline): Likely benign (0 of 4 stars; one submission).

Conditions:
TIAM1-related disorder. Also called: TIAM1-related condition.

Allele frequency attached by ClinVar (database versions not stated): gnomAD 0.00010; TOPMed 0.00012; ExAC 0.00014; ESP Exome Variant Server 0.00038.
gnomAD v4.1: 221 of 1,613,798 alleles (0.014%); highest among the groups gnomAD compares: South Asian, 0.019%; 1 homozygote.

Submission:

PreventionGenetics, part of Exact Sciences
Classification: Likely benign for TIAM1-related condition. Last evaluated: 2019-04-25. Review status: no assertion criteria provided. Collection method: clinical testing. Allele origin: germline.
Comment: This variant is classified as likely benign based on ACMG/AMP sequence variant interpretation guidelines (Richards et al. 2015 PMID: 25741868, with internal and published modifications).

NM_001353694.2(TIAM1):c.3153G>A (p.Thr1051=)

Gene: TIAM1 (TIAM Rac1 associated GEF 1; minus strand). Cytogenetic location: 21q22.11.
Variant type: single nucleotide variant.
Coding change: c.3153G>A on transcript NM_001353694.2 (MANE Select); coding-DNA position 3153, G replaced by A.
Protein change: p.Thr1051=; no amino-acid change (threonine 1051 retained).
Molecular consequence: synonymous variant.
Genome position (GRCh38, 1-based): chr21:31,154,265, C>T on the plus strand (G>A on the coding strand, the complement: TIAM1 is on the minus strand). VCF-style: chr21-31154265-C-T. GRCh37 (hg19) VCF-style: chr21-32526583-C-T.
Other names: c.252G>A, p.Thr84= (NM_001353684.2); c.177G>A, p.Thr59= (NM_001353685.2); c.3078G>A, p.Thr1026= (NM_001353686.2, NM_001353687.2); c.3153G>A, p.Thr1051= (NM_001353688.1, NM_001353689.1, NM_001353690.1 and 4 more transcripts).
Identifiers: ClinVar variation 3051057 (VCV003051057.2), dbSNP rs147935563, ClinGen allele CA9997915.